The following is an entry in ClinVar:

NM_000465.4(BARD1):c.1569-6147A>G

Gene: BARD1 (BRCA1 associated RING domain 1; minus strand). Cytogenetic location: 2q35.
Variant type: single nucleotide variant.
Coding change: c.1569-6147A>G on transcript NM_000465.4 (MANE Select); 6147 bases into the intron before coding-DNA position 1569, A replaced by G.
Molecular consequence: intron variant.
Genome position (GRCh38, 1-based): chr2:214,758,702, T>C on the plus strand (A>G on the coding strand, the complement: BARD1 is on the minus strand). VCF-style: chr2-214758702-T-C. GRCh37 (hg19) VCF-style: chr2-215623426-T-C.
Other names: c.159-6147A>G (NM_001282548.2); c.1512-6147A>G (NM_001282543.2); c.216-6147A>G (NM_001282545.2); c.365-28194A>G (NM_001282549.2).
Identifiers: ClinVar variation 2101257 (VCV002101257.4), dbSNP rs918907506, ClinGen allele CA64772211.
Genomic context (GRCh38, chr2:214,758,702, plus strand): 5'-AAATCCTTTTCCTAACTAGGAATCCTTCTGATCCTGAAGATGAGGAAAAGGAAGTACTTA[T>C]GAAAGGGCTAAACTGTGGTGTTCAATGTTTCAGTTTTGTCCCAAAGGCCACATTCAGGAT-3'

ClinVar aggregate classification (germline): Uncertain significance (1 of 4 stars; one submission).

Conditions:
Familial cancer of breast. Also called: Hereditary breast cancer; hereditary breast carcinoma; BREAST CANCER, FAMILIAL. Identifiers: Orphanet 227535, MedGen C0346153, MONDO:0016419, OMIM 114480. Disease mechanism: loss of function.

Allele frequency attached by ClinVar (database versions not stated): gnomAD 0.00005; TOPMed 0.00006.
gnomAD v4.1: 9 of 152,200 alleles (0.0059%); highest among the groups gnomAD compares: African/African-American, 0.017%; no homozygotes.

Submission:

Labcorp Genetics (formerly Invitae), Labcorp
Classification: Uncertain significance for Familial cancer of breast. Last evaluated: 2022-02-21. Review status: criteria provided, single submitter. Criteria: Invitae Variant Classification Sherloc (09022015). Collection method: clinical testing. Allele origin: germline.
Comment: This variant is not present in population databases (gnomAD no frequency). This sequence change falls in intron 6 of the BARD1 gene. It does not directly change the encoded amino acid sequence of the BARD1 protein. RNA analysis indicates that this variant induces altered splicing and may result in an absent or disrupted protein product. This variant has not been reported in the literature in individuals affected with BARD1-related conditions. In summary, the available evidence is currently insufficient to determine the role of this variant in disease. Therefore, it has been classified as a Variant of Uncertain Significance. Studies have shown that this variant results in activation of a cryptic splice site and introduces a premature termination codon (Invitae). The resulting mRNA is expected to undergo nonsense-mediated decay.